The following is an entry in ClinVar:

NM_000518.5(HBB):c.316-12T>C

Genes: HBB (hemoglobin subunit beta; minus strand), LOC107133510 (origin of replication at HBB; plus strand), LOC110006319 (beta-globin gene 3' regulatory region; plus strand). Cytogenetic location: 11p15.4.
Variant type: single nucleotide variant.
Coding change: c.316-12T>C on transcript NM_000518.5 (MANE Select); 12 bases into the intron before coding-DNA position 316, T replaced by C.
Molecular consequence: intron variant.
Genome position (GRCh38, 1-based): chr11:5,225,738, A>G on the plus strand (T>C on the coding strand, the complement: HBB is on the minus strand). VCF-style: chr11-5225738-A-G. GRCh37 (hg19) VCF-style: chr11-5246968-A-G.
Other names: IVS-II-839; c.316-12T>C (NM_000518.4).
Identifiers: ClinVar variation 810861 (VCV000810861.21), dbSNP rs781604042, ClinGen allele CA5839714.

ClinVar aggregate classification (germline): Conflicting classifications of pathogenicity. Review status: criteria provided, conflicting classifications (1 of 4 stars). 4 submissions from 4 submitters: Likely pathogenic (1); Uncertain significance (1); Likely benign (2). Last evaluated 2025-12-21.

Allele frequency attached by ClinVar (database versions not stated): gnomAD exomes 0.00001; ExAC 0.00002; gnomAD 0.00003; TOPMed 0.00004.
gnomAD v4.1: 12 of 1,613,758 alleles (0.00074%); highest among the groups gnomAD compares: African/African-American, 0.012%; no homozygotes.

Submissions (4):

Labcorp Genetics (formerly Invitae), Labcorp
Classification: Likely benign. Last evaluated: 2025-12-21. Review status: criteria provided, single submitter. Criteria: Invitae Variant Classification Sherloc (09022015). Collection method: clinical testing. Allele origin: germline.

Women's Health and Genetics/Laboratory Corporation of America, LabCorp
Classification: Likely benign. Last evaluated: 2025-01-08. Review status: criteria provided, single submitter. Criteria: LabCorp Variant Classification Summary - May 2015. Collection method: clinical testing. Allele origin: germline.
Comment: Variant summary: HBB c.316-12T>C alters a conserved nucleotide located at a position not widely known to affect splicing. Consensus agreement among computation tools predict no significant impact on normal splicing. However, these predictions have yet to be confirmed by functional studies. The variant allele was found at a frequency of 1.2e-05 in 250956 control chromosomes. The available data on variant occurrences in the general population are insufficient to allow any conclusion about variant significance. c.316-12T>C (legacy name IVS-II-839T>C) has been reported in the literature as a complex allele in cis with c.316-7C>A (legacy name IVS-II-844C>A) in individuals affected with mild Beta Thalassemia (example, Waye_2013, Belisario_2013). These report(s) do not provide unequivocal conclusions about association of the variant in isolation with Beta Thalassemia. To our knowledge, no experimental evidence demonstrating an impact on protein function has been reported. The following publications have been ascertained in the context of this evaluation (PMID: 26041423, 23651435). ClinVar contains an entry for this variant (Variation ID: 810861). Based on the evidence outlined above, the variant was classified as likely benign.

Quest Diagnostics Nichols Institute San Juan Capistrano
Classification: Uncertain significance. Last evaluated: 2024-07-12. Review status: criteria provided, single submitter. Criteria: Quest Diagnostics criteria. Collection method: clinical testing. Allele origin: unknown.
Comment: The HBB c.316-12T>C and c.316-7C>A variants have been reported in the published literature as a complex allele in individuals with mild beta(+)-thalassemia (PMIDs: 26041423 (2015) and 23651435 (2013)). A functional study demonstrated that this variant affects the consensus splice site and interfere with processing of the primary mRNA transcript (PMID: 23651435 (2013)). The frequency in the general population, (Genome Aggregation Database)), is uninformative in the assessment of its pathogenicity. Based on the available information, this complex allele is classified as likely pathogenic.

ARUP Laboratories, Molecular Genetics and Genomics, ARUP Laboratories
Classification: Likely pathogenic. Last evaluated: 2018-09-27. Review status: criteria provided, single submitter. Criteria: ARUP Molecular Germline Variant Investigation Process. Collection method: clinical testing. Allele origin: germline.
Comment: The c.[316-12T>C; 316-7C>A] complex variant is reported in the literature in multiple individuals as a very mild beta + thalassemia trait (Belisario 2015, Waye 2013), and has been found in trans with Hb S and Hb C in patients with clinical symptoms (Cross 2007, Belisario 2015, Waye 2013). The c.316-12T>C variant (rs755236703) is only observed on three alleles in the Genome Aggregation Database. The c.316-7C>A variant (rs34483965) is only observed on one allele in the Genome Aggregation Database. These are intronic variants in weakly conserved nucleotides, and computational analyses (Alamut v.2.11) predict that each variant may impact splicing by weakening the nearby canonical acceptor splice site, however, without mRNA analysis it is unclear how the combination of the two variants impact splicing. Based on available information, the c.[316-12T>C; 316-7C>A] complex variant is considered to be likely pathogenic. References: Belisario A et al. Very mild forms of Hb S/beta(+)-thalassemia in Brazilian children. Rev Bras Hematol Hemoter. 2015 37(3):198-201. Cross T et al. Sickle liver disease--an unusual presentation in a compound heterozygote for HbS and a novel beta-thalassemia mutation. Am J Hematol. 2007 82(9):852-4. Waye J et al. Mild beta(+)-thalassemia associated with two linked sequence variants: IVS-II-839 (T>C) and IVS-II-844 (C>A). Hemoglobin. 2013 37(4):378-86.

Literature cited by the submitters: PubMed 23651435 (cited by Women's Health and Genetics/Laboratory Corporation of America, LabCorp and Quest Diagnostics Nichols Institute San Juan Capistrano); PubMed 26041423 (cited by Women's Health and Genetics/Laboratory Corporation of America, LabCorp and Quest Diagnostics Nichols Institute San Juan Capistrano); PubMed 24754789 (cited by Quest Diagnostics Nichols Institute San Juan Capistrano).